The following is an entry in ClinVar:

ClinVar aggregate classification (germline): Uncertain significance (1 of 4 stars; one submission).

gnomAD v4.1: 17 of 1,613,950 alleles (0.0011%); highest among the groups gnomAD compares: Non-Finnish European, 0.0014%; no homozygotes.

Submission:

Ambry Genetics
Classification: Uncertain significance. Last evaluated: 2025-01-21. Review status: criteria provided, single submitter. Criteria: Ambry Variant Classification Scheme 2023. Collection method: clinical testing. Allele origin: germline.
Comment: The p.K600R variant (also known as c.1799A>G), located in coding exon 18 of the SRP72 gene, results from an A to G substitution at nucleotide position 1799. The lysine at codon 600 is replaced by arginine, an amino acid with highly similar properties. This amino acid position is conserved. In addition, this alteration is predicted to be tolerated by in silico analysis. Based on the available evidence, the clinical significance of this variant remains unclear.

NM_006947.4(SRP72):c.1799A>G (p.Lys600Arg)

Gene: SRP72 (signal recognition particle 72; plus strand). Cytogenetic location: 4q12.
Variant type: single nucleotide variant.
Coding change: c.1799A>G on transcript NM_006947.4 (MANE Select); coding-DNA position 1799, A replaced by G.
Protein change: p.Lys600Arg; replaces lysine 600 with arginine.
Molecular consequence: missense variant. On other transcripts: non-coding transcript variant (1).
Genome position (GRCh38, 1-based): chr4:56,500,656, A>G. VCF-style: chr4-56500656-A-G. GRCh37 (hg19) VCF-style: chr4-57366822-A-G.
Other names: c.1616A>G, p.Lys539Arg (NM_001267722.2); short protein forms K539R, K600R.
Identifiers: ClinVar variation 3801457 (VCV003801457.1).